The following continues an entry in ClinVar:

NM_033380.3(COL4A5):c.1871G>A (p.Gly624Asp)

Gene: COL4A5. ClinVar aggregate classification (germline): Pathogenic/Likely pathogenic. Pathogenic (34); Likely pathogenic (6).

Submissions 36 to 43 of 43:

Genetic Diagnostic Laboratory, University of Szeged
Classification: Pathogenic for X-linked Alport syndrome. Last evaluated: 2016-02-02. Review status: criteria provided, single submitter. Criteria: Genetic Diagnostic Assertion Criteria ver.1 Jan.2016. Collection method: clinical testing. Allele origin: inherited. Affected: yes. Observed: 5 variant alleles, 2 hemizygotes.

Centre for Mendelian Genomics, University Medical Centre Ljubljana
Classification: Pathogenic for X-linked Alport syndrome. Last evaluated: 2016-01-01. Review status: criteria provided, single submitter. Criteria: ACMG Guidelines, 2015. Collection method: clinical testing. Allele origin: unknown. Affected: yes.
Comment: This variant was classified as: Pathogenic.

Centre for Mendelian Genomics, University Medical Centre Ljubljana
Classification: Pathogenic for Glomerulopathy; Hypertensive disorder; Mild proteinuria. Last evaluated: 2015-04-13. Review status: criteria provided, single submitter. Criteria: ACMG Guidelines, 2015. Collection method: clinical testing. Allele origin: unknown. Affected: yes.

Clinical Genetics Service, Universitary Hospital 12 de Octubre
Classification: Pathogenic for X-linked Alport syndrome. Review status: criteria provided, single submitter. Criteria: ACMG Guidelines, 2015. Collection method: clinical testing. Allele origin: germline. Affected: yes.

Imagene.me medical diagnostic laboratory, IMAGENE.ME SA
Classification: Pathogenic for X-linked Alport syndrome. Review status: criteria provided, single submitter. Criteria: IMAGENE.ME Variant Classification SOP 2022. Collection method: clinical testing. Allele origin: germline.
Comment: Classified according to the IMAGENE.ME variant classification SOP based on the ACMG guidelines as Pathogenic (P): PS3 + PP1_Strong + PM1 + PP3_Moderate + PM5_Supporting + PP4

Clinical Genomics Laboratory, Stanford Medicine
Classification: Pathogenic for X-linked Alport syndrome. Last evaluated: 2020-12-29. Review status: no assertion criteria provided. Collection method: clinical testing. Allele origin: germline. Inheritance: X-linked inheritance. Affected: yes. Observed: 1 heterozygote. Not counted in ClinVar's aggregate classification.
Comment: The p.Gly624Asp variant in the COL4A5 gene has been previously reported in >20 unrelated individuals with Alport syndrome, thin basement membrane nephropathy, or benign familial hematuria and cosegregated with disease in >30 affected relatives from >10 families (Demosthenous et al., 2012; Frese et al., 2019; Kovács et al., 2016; Pierides et al., 2013; Šlajpah et al., 2007; Weber et al., 2016). Some studies reported this variant is associated with a milder phenotype (Demosthenous et al., 2012; Pierides et al, 2013). This variant has also been identified in 16/81,695 European chromosomes by the Genome Aggregation Database. The p.Gly624Asp variant is located in a triple-helical region of COL4A5 that contains Gly-X-Y repeats. Other pathogenic missense variants impacting glycine residues have been described in this domain, which disrupt the function of COL4A5. Computational tools predict that the p.Gly624Asp variant is deleterious; however, the accuracy of in silico algorithms is limited. These data were assessed using the ACMG/AMP variant interpretation guidelines. In summary, there is sufficient evidence to classify the p.Gly624Asp variant as pathogenic for X-linked Alport syndrome based on the information above. [ACMG evidence codes used: PS4; PM1; PM2; PP1_strong; PP3]

Counsyl
Classification: Uncertain significance for X-linked Alport syndrome. Last evaluated: 2018-12-21. Review status: no assertion criteria provided. Collection method: clinical testing. Allele origin: unknown. Not counted in ClinVar's aggregate classification.

Sydney Genome Diagnostics, Children's Hospital Westmead
Classification: Pathogenic for Alport syndrome. Last evaluated: 2015-01-31. Review status: no assertion criteria provided. Collection method: clinical testing. Allele origin: unknown. Affected: yes. Observed: 3 variant alleles, 3 heterozygotes. Not counted in ClinVar's aggregate classification.
Comment: This variant (dbSNP: rs104886142) results in substitution of one of the invariant glycine residues in the triple helical domain of type I collagen, and is considered to be pathogenic. This variant has been previously described in patients with Alport syndrome and benign familial hematuria in the Alport database.

Literature cited by the submitters: PubMed 9848783 (cited by 6 submitters); PubMed 21332469 (cited by 11 submitters); PubMed 24470729 (cited by 9 submitters); PubMed 24854265 (cited by Centre de Génétique Humaine, Institut de Pathologie Et de Génétique); PubMed 29142990 (cited by 5 submitters); PubMed 30348286 (cited by Centre de Génétique Humaine, Institut de Pathologie Et de Génétique and Mayo Clinic Laboratories, Mayo Clinic); PubMed 30586318 (cited by Centre de Génétique Humaine, Institut de Pathologie Et de Génétique and Mayo Clinic Laboratories, Mayo Clinic); PubMed 30661074 (cited by Centre de Génétique Humaine, Institut de Pathologie Et de Génétique and Mayo Clinic Laboratories, Mayo Clinic); PubMed 30691124 (cited by 6 submitters); PubMed 31850286 (cited by 6 submitters); PubMed 32359821 (cited by Centre de Génétique Humaine, Institut de Pathologie Et de Génétique and Mayo Clinic Laboratories, Mayo Clinic); PubMed 33040356 (cited by Centre de Génétique Humaine, Institut de Pathologie Et de Génétique and Mayo Clinic Laboratories, Mayo Clinic); PubMed 33226606 (cited by Centre de Génétique Humaine, Institut de Pathologie Et de Génétique and Mayo Clinic Laboratories, Mayo Clinic); PubMed 33233744 (cited by 4 submitters); PubMed 33309955 (cited by 6 submitters); PubMed 35022790 (cited by Centre de Génétique Humaine, Institut de Pathologie Et de Génétique and Mayo Clinic Laboratories, Mayo Clinic); PubMed 35643372 (cited by Centre de Génétique Humaine, Institut de Pathologie Et de Génétique and Mayo Clinic Laboratories, Mayo Clinic); PubMed 40004525 (cited by Centre de Génétique Humaine, Institut de Pathologie Et de Génétique); PubMed 40485705 (cited by Centre de Génétique Humaine, Institut de Pathologie Et de Génétique and Ambry Genetics); PubMed 9724608 (cited by Ambry Genetics); PubMed 17396119 (cited by 10 submitters); PubMed 19965530 (cited by 5 submitters); PubMed 26809805 (cited by 6 submitters); PubMed 28518168 (cited by Ambry Genetics); PubMed 32461654 (cited by Ambry Genetics); PubMed 34215756 (cited by Ambry Genetics and Variantyx, Inc.); PubMed 35020912 (cited by Ambry Genetics); PubMed 14514738 (cited by Victorian Clinical Genetics Services, Murdoch Childrens Research Institute); PubMed 24046192 (cited by Victorian Clinical Genetics Services, Murdoch Childrens Research Institute); PubMed 12028435 (cited by Victorian Clinical Genetics Services, Murdoch Childrens Research Institute); PubMed 21688191 (cited by Labcorp Genetics (formerly Invitae), Labcorp); PubMed 26934356 (cited by 3 submitters); PubMed 29854973 (cited by Labcorp Genetics (formerly Invitae), Labcorp); PubMed 29526701 (cited by Variantyx, Inc.); PubMed 36100708 (cited by Natera, Inc.); PubMed 30104322 (cited by Natera, Inc.); DOI 10.1038/gim.2015.30 (cited by Department of Clinical Genetics, Medical University of Lodz); PubMed 29526710 (cited by Johns Hopkins Genomics, Johns Hopkins University and Molecular Genetics, Royal Melbourne Hospital); PubMed 33854215 (cited by Johns Hopkins Genomics, Johns Hopkins University); PubMed 24077912 (cited by Genetics and Molecular Pathology, SA Pathology); PubMed 34008892 (cited by Laboratory of Medical Genetics, National & Kapodistrian University of Athens); PubMed 11223851 (cited by Athena Diagnostics); PubMed 28844315 (cited by Counsyl); PubMed 19728970 (cited by Counsyl); PubMed 20378821 (cited by Counsyl).